The following is an entry in ClinVar:

NM_002769.5(PRSS1):c.378C>G (p.Ile126Met)

Genes: PRSS1 (serine protease 1; plus strand), TRB (T cell receptor beta locus; plus strand). Cytogenetic location: 7q34.
Variant type: single nucleotide variant.
Coding change: c.378C>G on transcript NM_002769.5 (MANE Select); coding-DNA position 378, C replaced by G.
Protein change: p.Ile126Met; replaces isoleucine 126 with methionine.
Molecular consequence: missense variant. On other transcripts: non-coding transcript variant (5).
Genome position (GRCh38, 1-based): chr7:142,751,951, C>G. VCF-style: chr7-142751951-C-G. GRCh37 (hg19) VCF-style: chr7-142459802-C-G.
Other names: short protein forms I126M.
Identifiers: ClinVar variation 1734922 (VCV001734922.2), dbSNP rs2485754282, ClinGen allele CA369608995.
Genomic context (GRCh38, chr7:142,751,951, plus strand): 5'-TGACATCATGTTAATCAAGCTCTCCTCACGTGCAGTAATCAACGCCCGCGTGTCCACCAT[C>G]TCTCTGCCCACCGCCCCTCCAGCCACTGGCACGAAGTGCCTCATCTCTGGCTGGGGCAAC-3'
Protein context (NP_002760.1, residues 116-136): RAVINARVST[Ile126Met]SLPTAPPATG

ClinVar aggregate classification (germline): Uncertain significance (1 of 4 stars; one submission).

Conditions:
Hereditary pancreatitis (PCTT). Also called: Hereditary chronic pancreatitis; PRSS1-Related Hereditary Pancreatitis. Identifiers: Orphanet 676, MedGen C0238339, MONDO:0008185, OMIM 167800.

Submission:

Ambry Genetics
Classification: Uncertain significance for Hereditary pancreatitis. Last evaluated: 2021-04-19. Review status: criteria provided, single submitter. Criteria: Ambry Variant Classification Scheme 2023. Collection method: clinical testing. Allele origin: germline.
Comment: The p.I126M variant (also known as c.378C>G), located in coding exon 3 of the PRSS1 gene, results from a C to G substitution at nucleotide position 378. The isoleucine at codon 126 is replaced by methionine, an amino acid with highly similar properties. This amino acid position is not well conserved in available vertebrate species. In addition, the in silico prediction for this alteration is inconclusive. Since supporting evidence is limited at this time, the clinical significance of this alteration remains unclear.